The following is an entry in ClinVar:

NM_024675.4(PALB2):c.1318T>C (p.Phe440Leu)

Gene: PALB2 (partner and localizer of BRCA2; minus strand). Cytogenetic location: 16p12.2.
Variant type: single nucleotide variant.
Coding change: c.1318T>C on transcript NM_024675.4 (MANE Select); coding-DNA position 1318, T replaced by C.
Protein change: p.Phe440Leu; replaces phenylalanine 440 with leucine.
Molecular consequence: missense variant.
Genome position (GRCh38, 1-based): chr16:23,635,228, A>G on the plus strand (T>C on the coding strand, the complement: PALB2 is on the minus strand). VCF-style: chr16-23635228-A-G. GRCh37 (hg19) VCF-style: chr16-23646549-A-G.
Other names: short protein forms F440L.
Identifiers: ClinVar variation 818899 (VCV000818899.17), dbSNP rs776294034, ClinGen allele CA7963719.

ClinVar aggregate classification (germline): Conflicting classifications of pathogenicity. Review status: criteria provided, conflicting classifications (1 of 4 stars). 3 submissions from 3 submitters: Uncertain significance (2); Likely benign (1). Last evaluated 2026-04-23.

Conditions:
Familial cancer of breast. Also called: BREAST CANCER, FAMILIAL; Hereditary breast cancer; hereditary breast carcinoma. Identifiers: Orphanet 227535, MedGen C0346153, MONDO:0016419, OMIM 114480. Disease mechanism: loss of function.
Fanconi anemia complementation group N. Also called: PALB2-Related Fanconi Anemia. Identifiers: Orphanet 84, MedGen C1835817, MONDO:0012565, OMIM 610832. Disease mechanism: loss of function.
Pancreatic cancer, susceptibility to, 3. Identifiers: Orphanet 1333, MedGen C3150547, MONDO:0013236, OMIM 613348.
Hereditary cancer-predisposing syndrome. Also called: Neoplastic Syndromes, Hereditary; Hereditary neoplastic syndrome; Hereditary Cancer Syndrome; Tumor predisposition. Identifiers: Orphanet 140162, MedGen C0027672, MeSH D009386, MONDO:0015356.

Allele frequency attached by ClinVar (database versions not stated): ExAC 0.00001; gnomAD exomes below 0.00001.
gnomAD v4.1: 1 of 1,613,884 alleles (0.000062%); highest among the groups gnomAD compares: Admixed American, 0.0017%; no homozygotes.

Submissions (3):

Ambry Genetics
Classification: Likely benign for Hereditary cancer-predisposing syndrome. Last evaluated: 2026-04-23. Review status: criteria provided, single submitter. Criteria: Ambry Variant Classification Scheme 2023. Collection method: clinical testing. Allele origin: germline.

Labcorp Genetics (formerly Invitae), Labcorp
Classification: Uncertain significance for Familial cancer of breast. Last evaluated: 2025-08-06. Review status: criteria provided, single submitter. Criteria: Invitae Variant Classification Sherloc (09022015). Collection method: clinical testing. Allele origin: germline.
Comment: This sequence change replaces phenylalanine, which is neutral and non-polar, with leucine, which is neutral and non-polar, at codon 440 of the PALB2 protein (p.Phe440Leu). This variant is present in population databases (rs776294034, gnomAD 0.003%). This variant has not been reported in the literature in individuals affected with PALB2-related conditions. ClinVar contains an entry for this variant (Variation ID: 818899). Invitae Evidence Modeling of protein sequence and biophysical properties (such as structural, functional, and spatial information, amino acid conservation, physicochemical variation, residue mobility, and thermodynamic stability) indicates that this missense variant is not expected to disrupt PALB2 protein function with a negative predictive value of 80%. In summary, the available evidence is currently insufficient to determine the role of this variant in disease. Therefore, it has been classified as a Variant of Uncertain Significance.

Fulgent Genetics
Classification: Uncertain significance for Familial cancer of breast; Fanconi anemia complementation group N; Pancreatic cancer, susceptibility to, 3. Last evaluated: 2022-04-21. Review status: criteria provided, single submitter. Criteria: ACMG Guidelines, 2015. Collection method: clinical testing. Allele origin: unknown.